The following is an entry in ClinVar:

NM_031407.7(HUWE1):c.80A>G (p.Lys27Arg)

Gene: HUWE1 (HECT, UBA and WWE domain containing E3 ubiquitin protein ligase 1; minus strand). Cytogenetic location: Xp11.22.
Variant type: single nucleotide variant.
Coding change: c.80A>G on transcript NM_031407.7 (MANE Select); coding-DNA position 80, A replaced by G.
Protein change: p.Lys27Arg; replaces lysine 27 with arginine.
Molecular consequence: missense variant.
Genome position (GRCh38, 1-based): chrX:53,648,276, T>C on the plus strand (A>G on the coding strand, the complement: HUWE1 is on the minus strand). VCF-style: chrX-53648276-T-C. GRCh37 (hg19) VCF-style: chrX-53675219-T-C.
Other names: short protein forms K27R.
Identifiers: ClinVar variation 1306711 (VCV001306711.2), dbSNP rs782364822, ClinGen allele CA10423159.

ClinVar aggregate classification (germline): Uncertain significance (1 of 4 stars; one submission).

Allele frequency attached by ClinVar (database versions not stated): ExAC 0.00001; gnomAD exomes 0.00001; TOPMed 0.00001; gnomAD 0.00002 and 0.00003; 1000 Genomes Project 30x 0.00021; 1000 Genomes Project 0.00026.
gnomAD v4.1: 11 of 1,196,729 alleles (0.00092%); highest among the groups gnomAD compares: East Asian, 0.003%; no homozygotes.

Submission:

GeneDx
Classification: Uncertain significance. Last evaluated: 2019-03-15. Review status: criteria provided, single submitter. Criteria: GeneDx Variant Classification Process June 2021. Collection method: clinical testing. Allele origin: germline. Affected: yes.
Comment: In silico analysis, which includes protein predictors and evolutionary conservation, supports that this variant does not alter protein structure/function; Has not been previously published as pathogenic or benign to our knowledge